The following is an entry in ClinVar:

ClinVar aggregate classification (germline): Conflicting classifications of pathogenicity. Review status: criteria provided, conflicting classifications (1 of 4 stars). 3 submissions from 3 submitters: Likely pathogenic (2); Uncertain significance (1). Last evaluated 2026-01-26.

Conditions:
Autosomal recessive nonsyndromic hearing loss 3. Also called: NEUROSENSORY NONSYNDROMIC RECESSIVE DEAFNESS 3. Identifiers: Orphanet 90636, MedGen C1838263, MONDO:0010860, OMIM 600316.

Submissions (3):

MVZ Martinsried, Medicover Genetics
Classification: Uncertain significance for Autosomal recessive nonsyndromic hearing loss 3. Last evaluated: 2026-01-26. Review status: criteria provided, single submitter. Criteria: ClinGen Variant Curation SOP V3.2 + Classification Guidance July2025. Collection method: clinical testing. Allele origin: inherited. Affected: yes. Observed: 1 heterozygote.

Institute of Rare Diseases, West China Hospital, Sichuan University
Classification: Likely pathogenic for Autosomal recessive nonsyndromic hearing loss 3. Last evaluated: 2025-01-09. Review status: criteria provided, single submitter. Criteria: ClinGen HL ACMG Specifications v1. Collection method: research. Allele origin: germline. Affected: yes.
Comment: PM3_Strong;PM2_Supporting;PP3

Fulgent Genetics
Classification: Likely pathogenic for Autosomal recessive nonsyndromic hearing loss 3. Last evaluated: 2024-04-30. Review status: criteria provided, single submitter. Criteria: ACMG Guidelines, 2015. Collection method: clinical testing. Allele origin: germline.

NM_016239.4(MYO15A):c.6011C>T (p.Pro2004Leu)

Gene: MYO15A (myosin XVA; plus strand). Cytogenetic location: 17p11.2.
Variant type: single nucleotide variant.
Coding change: c.6011C>T on transcript NM_016239.4 (MANE Select); coding-DNA position 6011, C replaced by T.
Protein change: p.Pro2004Leu; replaces proline 2004 with leucine.
Molecular consequence: missense variant.
Genome position (GRCh38, 1-based): chr17:18,143,761, C>T. VCF-style: chr17-18143761-C-T. GRCh37 (hg19) VCF-style: chr17-18047075-C-T.
Other names: short protein forms P2004L.
Identifiers: ClinVar variation 3581716 (VCV003581716.3).